The following is an entry in ClinVar:

NM_001349253.2(SCN11A):c.1546C>A (p.Pro516Thr)

Gene: SCN11A (sodium voltage-gated channel alpha subunit 11; minus strand). Cytogenetic location: 3p22.2.
Variant type: single nucleotide variant.
Coding change: c.1546C>A on transcript NM_001349253.2 (MANE Select); coding-DNA position 1546, C replaced by A.
Protein change: p.Pro516Thr; replaces proline 516 with threonine.
Molecular consequence: missense variant.
Genome position (GRCh38, 1-based): chr3:38,905,249, G>T on the plus strand (C>A on the coding strand, the complement: SCN11A is on the minus strand). VCF-style: chr3-38905249-G-T. GRCh37 (hg19) VCF-style: chr3-38946740-G-T.
Other names: c.1546C>A, p.Pro516Thr (NM_014139.3); short protein forms P516T.
Identifiers: ClinVar variation 2014952 (VCV002014952.4), dbSNP rs2470586645, ClinGen allele CA352166253.
Genomic context (GRCh38, chr3:38,905,249, plus strand): 5'-TACCCTTCATGGTGATGGTGAGGATGCTGACAGCACTCAGTGCTCTCTGCCTTTGGAGAG[G>T]ATCTCCATGCTCATCAAAGTGGTCCAGTGATAGATTCTGGGACAGTCGTTTGGTTTGCTC-3'
Protein context (NP_001336182.1, residues 506-526): SLDHFDEHGD[Pro516Thr]LQRQRALSAV

ClinVar aggregate classification (germline): Uncertain significance (1 of 4 stars; one submission).

Conditions:
Hereditary sensory and autonomic neuropathy type 7. Also called: Neuropathy, hereditary sensory and autonomic, type VII; HSAN VII. Identifiers: Orphanet 391397, MedGen C3809882, MONDO:0014244, OMIM 615548.
Familial episodic pain syndrome with predominantly lower limb involvement. Also called: Episodic pain syndrome, familial, 3. Identifiers: Orphanet 391384, Orphanet 391392, MedGen C3809899, MONDO:0014247, OMIM 615552.

Submission:

Labcorp Genetics (formerly Invitae), Labcorp
Classification: Uncertain significance for Familial episodic pain syndrome with predominantly lower limb involvement; Hereditary sensory and autonomic neuropathy type 7. Last evaluated: 2022-07-08. Review status: criteria provided, single submitter. Criteria: Invitae Variant Classification Sherloc (09022015). Collection method: clinical testing. Allele origin: germline.
Comment: Algorithms developed to predict the effect of missense changes on protein structure and function output the following: SIFT: "Tolerated"; PolyPhen-2: "Benign"; Align-GVGD: "Class C0". The threonine amino acid residue is found in multiple mammalian species, which suggests that this missense change does not adversely affect protein function. In summary, the available evidence is currently insufficient to determine the role of this variant in disease. Therefore, it has been classified as a Variant of Uncertain Significance. This variant has not been reported in the literature in individuals affected with SCN11A-related conditions. This variant is not present in population databases (gnomAD no frequency). This sequence change replaces proline, which is neutral and non-polar, with threonine, which is neutral and polar, at codon 516 of the SCN11A protein (p.Pro516Thr).